The following is an entry in ClinVar:

NM_001378418.1(TCF20):c.27T>G (p.Ser9Arg)

Gene: TCF20 (transcription factor 20; minus strand). Cytogenetic location: 22q13.2.
Variant type: single nucleotide variant.
Coding change: c.27T>G on transcript NM_001378418.1 (MANE Select); coding-DNA position 27, T replaced by G.
Protein change: p.Ser9Arg; replaces serine 9 with arginine.
Molecular consequence: missense variant.
Genome position (GRCh38, 1-based): chr22:42,215,279, A>C on the plus strand (T>G on the coding strand, the complement: TCF20 is on the minus strand). VCF-style: chr22-42215279-A-C. GRCh37 (hg19) VCF-style: chr22-42611285-A-C.
Other names: c.27T>G, p.Ser9Arg (NM_005650.4, NM_181492.3); short protein forms S9R.
Identifiers: ClinVar variation 1704742 (VCV001704742.3), dbSNP rs2518250129, ClinGen allele CA411793877.

ClinVar aggregate classification (germline): Uncertain significance (1 of 4 stars; one submission).

Submission:

GeneDx
Classification: Uncertain significance. Last evaluated: 2025-07-26. Review status: criteria provided, single submitter. Criteria: GeneDx Variant Classification Process June 2021. Collection method: clinical testing. Allele origin: germline. Affected: yes.
Comment: Not observed at significant frequency in large population cohorts (gnomAD); In silico analysis suggests that this missense variant does not alter protein structure/function; Has not been previously published as pathogenic or benign to our knowledge